The following is an entry in ClinVar:

ClinVar aggregate classification (germline): Uncertain significance (1 of 4 stars; one submission).

Conditions:
Dyskeratosis congenita. Identifiers: Orphanet 1775, MedGen C0265965, MONDO:0015780.

Submission:

Labcorp Genetics (formerly Invitae), Labcorp
Classification: Uncertain significance for Dyskeratosis congenita. Last evaluated: 2021-06-20. Review status: criteria provided, single submitter. Criteria: Invitae Variant Classification Sherloc (09022015). Collection method: clinical testing. Allele origin: germline.
Comment: In summary, the available evidence is currently insufficient to determine the role of this variant in disease. Therefore, it has been classified as a Variant of Uncertain Significance. Algorithms developed to predict the effect of missense changes on protein structure and function (SIFT, PolyPhen-2, Align-GVGD) all suggest that this variant is likely to be tolerated, but these predictions have not been confirmed by published functional studies and their clinical significance is uncertain. This variant has not been reported in the literature in individuals with CTC1-related conditions. This variant is not present in population databases (ExAC no frequency). This sequence change replaces proline with alanine at codon 337 of the CTC1 protein (p.Pro337Ala). The proline residue is moderately conserved and there is a small physicochemical difference between proline and alanine.

NM_025099.6(CTC1):c.1009C>G (p.Pro337Ala)

Gene: CTC1 (CST telomere replication complex component 1; minus strand). Cytogenetic location: 17p13.1.
Variant type: single nucleotide variant.
Coding change: c.1009C>G on transcript NM_025099.6 (MANE Select); coding-DNA position 1009, C replaced by G.
Protein change: p.Pro337Ala; replaces proline 337 with alanine.
Molecular consequence: missense variant. On other transcripts: non-coding transcript variant (1).
Genome position (GRCh38, 1-based): chr17:8,236,126, G>C on the plus strand (C>G on the coding strand, the complement: CTC1 is on the minus strand). VCF-style: chr17-8236126-G-C. GRCh37 (hg19) VCF-style: chr17-8139444-G-C.
Other names: short protein forms P337A.
Identifiers: ClinVar variation 1498114 (VCV001498114.8), dbSNP rs2151523075, ClinGen allele CA397988137.
Genomic context (GRCh38, chr17:8,236,126, plus strand): 5'-ATAGGAGTCTAGAATACCGGACAAGACTTTCTGGATCCTTCTTGTCCTCCGAGTTGCTGG[G>C]CATGGGGAGTGGCTTGGGGTCAGCCTCTAAGAGGGGTCCTTCCAGCTCCAGTTCCAGCTC-3'
Protein context (NP_079375.3, residues 327-347): LEADPKPLPM[Pro337Ala]SNSEDKKDPE